The following is an entry in ClinVar:

NM_000311.3(PRNP):c.204_227del24 (p.Pro84_Gln91del)

Gene: PRNP (prion protein (Kanno blood group); plus strand). Cytogenetic location: 20p13.
Variant type: Microsatellite.
Coding change: c.204_227del24 on transcript NM_000311.3; coding-DNA positions 204 to 227, 24 bases deleted (TCATGGTGGTGGCTGGGGGCAGCC).
Protein change: p.Pro84_Gln91del.
Molecular consequence: inframe deletion (on NM_000311.5).
Genome position (GRCh38, 1-based): chr20:4,699,424-4,699,447, TCATGGTGGTGGCTGGGGGCAGCC deleted; deleting any 24 consecutive bases within chr20:4,699,380-4,699,447 gives the same sequence; the c. name uses the placement nearest the transcript's 3' end. VCF-style (leftmost placement, unchanged base first): chr20-4699379-CGGTGGTGGCTGGGGGCAGCCTCAT-C. GRCh37 (hg19) VCF-style: chr20-4680025-CGGTGGTGGCTGGGGGCAGCCTCAT-C.
Other names: p.Pro84_Gln91del; 24-bp deletion from NM_000311.3 (deletion of one octapeptide repeat); c.180TCATGGTGGTGGCTGGGGGCAGCC[1], p.60PHGGGWGQ[3] (NM_000311.5, NM_001080121.3, NM_001080122.3 and 2 more transcripts); c.91TCATGGTGGTGGCTGGGGGCAGCC[1], p.31SWWWLGAA[1] (NM_001271561.3); c.204_227del (NM_000311.5).
Identifiers: ClinVar variation 65494 (VCV000065494.89), dbSNP rs193922906, ClinGen allele CA344807.

ClinVar aggregate classification (germline): Benign/Likely benign. Review status: criteria provided, multiple submitters, no conflicts (2 of 4 stars). 8 submissions from 8 submitters: Benign (1); Likely benign (6). 1 of the submissions does not count toward it. Last evaluated 2026-01-08.

Conditions:
Spongiform encephalopathy with neuropsychiatric features. Identifiers: MedGen C1847650, MONDO:0011703, OMIM 606688.
Inherited Creutzfeldt-Jakob disease. Also called: Genetic Creutzfeldt-Jakob Disease (Genetic CJD); Creutzfeldt-Jakob Disease, Familial. Identifiers: Orphanet 204, Orphanet 282166, Orphanet 454700, MedGen C0751254, MONDO:0007403, OMIM 123400.
Gerstmann-Straussler-Scheinker syndrome (GSD). Also called: CEREBELLAR ATAXIA, PROGRESSIVE DEMENTIA, AND AMYLOID DEPOSITS IN CNS; PRION DEMENTIA; Gerstmann-Sträussler-Scheinker Syndrome (GSS); Spinocerebellar ataxia and plaque-like deposits; GERSTMANN-STRAUSSLER DISEASE; Spongiform encephalopathy. Identifiers: Orphanet 356, MedGen C0017495, MONDO:0007656, OMIM 137440.
Fatal familial insomnia (FFI). Also called: Fatal Familial Insomnia (FFI). Identifiers: Orphanet 466, MedGen C0206042, MONDO:0010808, OMIM 600072.
Huntington disease-like 1 (HDL1). Also called: HUNTINGTON-LIKE NEURODEGENERATIVE DISORDER 1; HUNTINGTON-LIKE NEURODEGENERATIVE DISORDER, AUTOSOMAL DOMINANT; PRION DISEASE, EARLY-ONSET, WITH PROMINENT PSYCHIATRIC FEATURES. Identifiers: Orphanet 157941, MedGen C1864112, MONDO:0011299, OMIM 603218.
Kuru, susceptibility to. Identifiers: Orphanet 454745, MedGen C1855588, MONDO:0009500, OMIM 245300.
Inherited prion disease. Identifiers: Orphanet 280400, MedGen C5679775, MONDO:0017234.

Submissions (8):

Labcorp Genetics (formerly Invitae), Labcorp
Classification: Likely benign for Huntington disease-like 1. Last evaluated: 2026-01-08. Review status: criteria provided, single submitter. Criteria: Invitae Variant Classification Sherloc (09022015). Collection method: clinical testing. Allele origin: germline.

CeGaT Center for Human Genetics Tuebingen
Classification: Likely benign. Last evaluated: 2025-09-01. Review status: criteria provided, single submitter. Criteria: CeGaT Center For Human Genetics Tuebingen Variant Classification Criteria Version 2. Collection method: clinical testing. Allele origin: germline. Affected: yes. Observed: 7 variant alleles.
Comment: PRNP: PM4, BS1

Blueprint Genetics
Classification: Likely benign. Last evaluated: 2024-11-06. Review status: criteria provided, single submitter. Criteria: ACMG Guidelines, 2015. Collection method: clinical testing. Allele origin: germline.

Mayo Clinic Laboratories, Mayo Clinic
Classification: Benign. Last evaluated: 2023-08-30. Review status: criteria provided, single submitter. Criteria: ACMG Guidelines, 2015. Collection method: clinical testing. Allele origin: germline. Observed: 5 variant alleles.
Comment: BS1, BS2

ARUP Laboratories, Molecular Genetics and Genomics, ARUP Laboratories
Classification: Likely benign. Last evaluated: 2021-10-13. Review status: criteria provided, single submitter. Criteria: ARUP Molecular Germline Variant Investigation Process 2021. Collection method: clinical testing. Allele origin: germline.

Fulgent Genetics
Classification: Likely benign for Inherited Creutzfeldt-Jakob disease; Gerstmann-Straussler-Scheinker syndrome; Kuru, susceptibility to; Fatal familial insomnia; Huntington disease-like 1; Spongiform encephalopathy with neuropsychiatric features. Last evaluated: 2021-07-26. Review status: criteria provided, single submitter. Criteria: ACMG Guidelines, 2015. Collection method: clinical testing. Allele origin: unknown.

GeneDx
Classification: Likely benign. Last evaluated: 2021-01-27. Review status: criteria provided, single submitter. Criteria: GeneDx Variant Classification Process June 2021. Collection method: clinical testing. Allele origin: germline. Affected: yes.
Comment: This variant is associated with the following publications: (PMID: 16914329, 18455951, 22717776)

GeneReviews
Classification: Benign for Genetic Prion Diseases. Last evaluated: 2008-12-18. Review status: no assertion criteria provided. Collection method: curation. Allele origin: unknown. Not counted in ClinVar's aggregate classification.
ClinVar note: Converted during submission from non-pathogenic to Benign.